The following is an entry in ClinVar:

ClinVar aggregate classification (germline): Uncertain significance (1 of 4 stars; one submission).

Conditions:
Hyperphosphatasia with impaired intellectual development syndrome 2. Also called: Hyperphosphatasia with intellectual disability syndrome 2; GLYCOSYLPHOSPHATIDYLINOSITOL BIOSYNTHESIS DEFECT 6. Identifiers: Orphanet 247262, MedGen C3553637, MONDO:0013882, OMIM 614749.

Allele frequency attached by ClinVar (database versions not stated): gnomAD exomes below 0.00001.

Submission:

Labcorp Genetics (formerly Invitae), Labcorp
Classification: Uncertain significance for Hyperphosphatasia with impaired intellectual development syndrome 2. Last evaluated: 2025-02-10. Review status: criteria provided, single submitter. Criteria: Invitae Variant Classification Sherloc (09022015). Collection method: clinical testing. Allele origin: germline.
Comment: This sequence change replaces leucine, which is neutral and non-polar, with glutamine, which is neutral and polar, at codon 501 of the PIGO protein (p.Leu501Gln). This variant is not present in population databases (gnomAD no frequency). This variant has not been reported in the literature in individuals affected with PIGO-related conditions. ClinVar contains an entry for this variant (Variation ID: 1044887). Invitae Evidence Modeling of protein sequence and biophysical properties (such as structural, functional, and spatial information, amino acid conservation, physicochemical variation, residue mobility, and thermodynamic stability) indicates that this missense variant is not expected to disrupt PIGO protein function with a negative predictive value of 95%. In summary, the available evidence is currently insufficient to determine the role of this variant in disease. Therefore, it has been classified as a Variant of Uncertain Significance.

NM_032634.4(PIGO):c.1502T>A (p.Leu501Gln)

Gene: PIGO (phosphatidylinositol glycan anchor biosynthesis class O; minus strand). Cytogenetic location: 9p13.3.
Variant type: single nucleotide variant.
Coding change: c.1502T>A on transcript NM_032634.4 (MANE Select); coding-DNA position 1502, T replaced by A.
Protein change: p.Leu501Gln; replaces leucine 501 with glutamine.
Molecular consequence: missense variant. On other transcripts: intron variant (2).
Genome position (GRCh38, 1-based): chr9:35,092,385, A>T on the plus strand (T>A on the coding strand, the complement: PIGO is on the minus strand). VCF-style: chr9-35092385-A-T. GRCh37 (hg19) VCF-style: chr9-35092382-A-T.
Other names: c.1344+158T>A (NM_152850.4, NM_001201484.2); short protein forms L501Q.
Identifiers: ClinVar variation 1044887 (VCV001044887.8), dbSNP rs1829470218, ClinGen allele CA373321991.
Genomic context (GRCh38, chr9:35,092,385, plus strand): 5'-GAGCTCACTGCAGCCACAGCCCCTAGAAGCACTAGATCTAGCTTCAGCTCAATAGTTCCC[A>T]GGAGTCCAGCATACGCTATGGCCCCAACCAGGCCCCAGGCCACAGGTGTCAGGAGTAGAG-3'
Protein context (NP_116023.2, residues 491-511): LVGAIAYAGL[Leu501Gln]GTIELKLDLV